The following is an entry in ClinVar:

ClinVar aggregate classification (germline): Uncertain significance (1 of 4 stars; one submission).

Conditions:
LHX3-related disorder. Also called: LHX3-related condition.

Submission:

PreventionGenetics, part of Exact Sciences
Classification: Uncertain significance for LHX3-related condition. Last evaluated: 2026-07-07. Review status: criteria provided, single submitter. Criteria: ACMG Guidelines, 2015. Collection method: clinical testing. Allele origin: germline.
Comment: The LHX3 c.427C>T variant is predicted to result in the amino acid substitution p.Arg143Trp. To our knowledge, this variant has not been reported in the literature. This variant is reported in 0.0063% of alleles in individuals of African descent in gnomAD. At this time, the clinical significance of this variant is uncertain due to the absence of conclusive functional and genetic evidence.

NM_178138.6(LHX3):c.412C>T (p.Arg138Trp)

Gene: LHX3 (LIM homeobox 3; minus strand). Cytogenetic location: 9q34.3.
Variant type: single nucleotide variant.
Coding change: c.412C>T on transcript NM_178138.6 (MANE Select); coding-DNA position 412, C replaced by T.
Protein change: p.Arg138Trp; replaces arginine 138 with tryptophan.
Molecular consequence: missense variant.
Genome position (GRCh38, 1-based): chr9:136,199,720, G>A on the plus strand (C>T on the coding strand, the complement: LHX3 is on the minus strand). VCF-style: chr9-136199720-G-A. GRCh37 (hg19) VCF-style: chr9-139091566-G-A.
Other names: c.379C>T, p.Arg127Trp (NM_001363746.1); c.427C>T, p.Arg143Trp (NM_014564.5); short protein forms R138W, R143W, R127W.
Identifiers: ClinVar variation 4986348 (VCV004986348.1).